The following is an entry in ClinVar:

NM_152515.5(CKAP2L):c.1046_1053dup (p.Lys352fs)

Gene: CKAP2L (cytoskeleton associated protein 2 like; minus strand). Cytogenetic location: 2q14.1.
Variant type: Duplication.
Coding change: c.1046_1053dup on transcript NM_152515.5 (MANE Select); coding-DNA positions 1046 to 1053, 8 bases duplicated (CAAACATC; older notation c.1046_1053dupCAAACATC).
Protein change: p.Lys352fs; shifts the reading frame from lysine 352.
Molecular consequence: frameshift variant.
Genome position (GRCh38, 1-based): chr2:112,756,318-112,756,325, GATGTTTG duplicated on the plus strand (CAAACATC on the coding strand, the reverse complement: CKAP2L is on the minus strand); duplicating any 8 consecutive bases within chr2:112,756,318-112,756,330 gives the same sequence; the c. name uses the placement nearest the transcript's 3' end. VCF-style (leftmost placement, unchanged base first): chr2-112756317-T-TGATGTTTG. GRCh37 (hg19) VCF-style: chr2-113513894-T-TGATGTTTG.
Other names: c.551_558dup, p.Lys187fs (NM_001304361.2); c.1046_1053dupCAAACATC (NM_152515.5); short protein forms K187fs, K352fs.
Identifiers: ClinVar variation 2691463 (VCV002691463.1), dbSNP rs781603729, ClinGen allele CA1836735.

ClinVar aggregate classification (germline): Pathogenic (1 of 4 stars; one submission).

Conditions:
Filippi syndrome (FLPIS). Identifiers: Orphanet 3255, MedGen C0795940, MONDO:0010092, OMIM 272440.

Submission:

Women's Health and Genetics/Laboratory Corporation of America, LabCorp
Classification: Pathogenic for Filippi syndrome. Last evaluated: 2023-12-04. Review status: criteria provided, single submitter. Criteria: LabCorp Variant Classification Summary - May 2015. Collection method: clinical testing. Allele origin: germline.
Comment: Variant summary: CKAP2L c.1046_1053dupCAAACATC (p.Lys352GlnfsX27) results in a premature termination codon, predicted to cause absence of the protein due to nonsense mediated decay, which is a commonly known mechanism for disease. The variant allele was found at a frequency of 2.4e-05 in 251002 control chromosomes. To our knowledge, no occurrence of c.1046_1053dupCAAACATC in individuals affected with Filippi Syndrome and no experimental evidence demonstrating its impact on protein function have been reported. No submitters have cited clinical-significance assessments for this variant to ClinVar after 2014. Based on the evidence outlined above, the variant was classified as pathogenic.